The following is an entry in ClinVar:

NC_000017.10:g.(?_73204602)_(73515148_?)dup

Genes: MIF4GD (MIF4G domain containing; minus strand), MRPS7 (mitochondrial ribosomal protein S7; plus strand), NUP85 (nucleoporin 85; plus strand), CASKIN2 (CASK interacting protein 2; minus strand), GGA3 (golgi associated, gamma adaptin ear containing, ARF binding protein 3; minus strand) and 4 more. Cytogenetic location: 17q25.1.
Variant type: Duplication.
Identifiers: ClinVar variation 1377280 (VCV001377280.6).

ClinVar aggregate classification (germline): Uncertain significance (1 of 4 stars; one submission).

Submission:

Labcorp Genetics (formerly Invitae), Labcorp
Classification: Uncertain significance. Last evaluated: 2022-07-06. Review status: criteria provided, single submitter. Criteria: Invitae Variant Classification Sherloc (09022015). Collection method: clinical testing. Allele origin: germline.
Comment: In summary, the available evidence is currently insufficient to determine the role of this variant in disease. Therefore, it has been classified as a Variant of Uncertain Significance. This variant has not been reported in the literature in individuals affected with TSEN54-related conditions. This variant results in a copy number gain of the genomic region encompassing exon(s) 1-6 of the TSEN54 gene. This region includes the initiator codon of the gene. This copy number gain extends beyond the assayed region for this gene and therefore may encompass additional genes. As the precise location of this event is unknown, it may be in tandem or it may be located elsewhere in the genome.